The following is an entry in ClinVar:

NM_203447.4(DOCK8):c.1869-2A>G

Gene: DOCK8 (dedicator of cytokinesis 8; plus strand). Cytogenetic location: 9p24.3.
Variant type: single nucleotide variant.
Coding change: c.1869-2A>G on transcript NM_203447.4 (MANE Select); the canonical splice acceptor site of the intron before coding-DNA position 1869, A replaced by G.
Molecular consequence: splice acceptor variant.
Genome position (GRCh38, 1-based): chr9:371,426, A>G. VCF-style: chr9-371426-A-G. GRCh37 (hg19) VCF-style: chr9-371426-A-G.
Other names: c.1665-2A>G (NM_001193536.2, NM_001190458.2).
Identifiers: ClinVar variation 4735409 (VCV004735409.1).

ClinVar aggregate classification (germline): Likely pathogenic (1 of 4 stars; one submission).

Conditions:
Combined immunodeficiency due to DOCK8 deficiency (HIES2). Also called: HYPER-IgE SYNDROME 2, AUTOSOMAL RECESSIVE, WITH RECURRENT INFECTIONS; HIES autosomal recessive; Hyper-IgE recurrent infection syndrome, autosomal recessive; HYPER-IgE RECURRENT INFECTION SYNDROME 2, AUTOSOMAL RECESSIVE; DOCK8 Deficiency. Identifiers: Orphanet 217390, MedGen C4722305, MONDO:0009478, OMIM 243700.

Submission:

Labcorp Genetics (formerly Invitae), Labcorp
Classification: Likely pathogenic for Combined immunodeficiency due to DOCK8 deficiency. Last evaluated: 2026-01-14. Review status: criteria provided, single submitter. Criteria: Invitae Variant Classification Sherloc (09022015). Collection method: clinical testing. Allele origin: germline.
Comment: This sequence change affects an acceptor splice site in intron 16 of the DOCK8 gene. It is expected to disrupt RNA splicing. Variants that disrupt the donor or acceptor splice site typically lead to a loss of protein function (PMID: 16199547), and loss-of-function variants in DOCK8 are known to be pathogenic (PMID: 14722525, 19776401). This variant is not present in population databases (gnomAD no frequency). This variant has not been reported in the literature in individuals affected with DOCK8-related conditions. Algorithms developed to predict the effect of sequence changes on RNA splicing suggest that this variant may disrupt the consensus splice site. In summary, the currently available evidence indicates that the variant is pathogenic, but additional data are needed to prove that conclusively. Therefore, this variant has been classified as Likely Pathogenic.

Literature cited by the submitters: PubMed 16199547; PubMed 14722525; PubMed 19776401.